The following is an entry in ClinVar:

ClinVar aggregate classification (germline): Uncertain significance (1 of 4 stars; one submission).

Conditions:
Hyperammonemia, type III (NAGSD). Also called: Hyperammonemia due to N-acetylglutamate synthase deficiency. Identifiers: Orphanet 927, MedGen C0268543, MONDO:0009377, OMIM 237310.

Allele frequency attached by ClinVar (database versions not stated): gnomAD exomes below 0.00001 and 0.00001; gnomAD 0.00001; TOPMed 0.00001.

Submission:

Labcorp Genetics (formerly Invitae), Labcorp
Classification: Uncertain significance for Hyperammonemia, type III. Last evaluated: 2023-05-26. Review status: criteria provided, single submitter. Criteria: Invitae Variant Classification Sherloc (09022015). Collection method: clinical testing. Allele origin: germline.
Comment: In summary, the available evidence is currently insufficient to determine the role of this variant in disease. Therefore, it has been classified as a Variant of Uncertain Significance. An algorithm developed to predict the effect of missense changes on protein structure and function (PolyPhen-2) suggests that this variant is likely to be tolerated. ClinVar contains an entry for this variant (Variation ID: 1357732). This variant has not been reported in the literature in individuals affected with NAGS-related conditions. The frequency data for this variant in the population databases is considered unreliable, as metrics indicate poor data quality at this position in the gnomAD database. This sequence change replaces proline, which is neutral and non-polar, with leucine, which is neutral and non-polar, at codon 84 of the NAGS protein (p.Pro84Leu).

NM_153006.3(NAGS):c.251C>T (p.Pro84Leu)

Gene: NAGS (N-acetylglutamate synthase; plus strand). Cytogenetic location: 17q21.31.
Variant type: single nucleotide variant.
Coding change: c.251C>T on transcript NM_153006.3 (MANE Select); coding-DNA position 251, C replaced by T.
Protein change: p.Pro84Leu; replaces proline 84 with leucine.
Molecular consequence: missense variant.
Genome position (GRCh38, 1-based): chr17:44,004,914, C>T. VCF-style: chr17-44004914-C-T. GRCh37 (hg19) VCF-style: chr17-42082282-C-T.
Other names: short protein forms P84L.
Identifiers: ClinVar variation 1357732 (VCV001357732.8), dbSNP rs1381894842, ClinGen allele CA399737312.
Genomic context (GRCh38, chr17:44,004,914, plus strand): 5'-CGGGCGCGGACGACGTCTCCCAGTCGCCCGTCGCCGAGGAGCCGTCGTGGGTGCCGAGTC[C>T]CAGGCCCCCGGTGCCCCACGAGTCCCCAGAGCCTCCTTCGGGCCGCTCGCTGGTGCAGCG-3'
Protein context (NP_694551.1, residues 74-94): VAEEPSWVPS[Pro84Leu]RPPVPHESPE